The following is an entry in ClinVar:

ClinVar aggregate classification (germline): Pathogenic (1 of 4 stars; one submission).

Conditions:
Beta-D-mannosidosis (MANSB). Also called: MANNOSIDOSIS, BETA A, LYSOSOMAL; BETA-MANNOSIDASE DEFICIENCY; LYSOSOMAL BETA-MANNOSIDASE DEFICIENCY; Beta-Mannosidosis. Identifiers: Orphanet 118, MedGen C4048196, MONDO:0009562, OMIM 248510.

Allele frequency attached by ClinVar (database versions not stated): TOPMed 0.00001.

Submission:

Labcorp Genetics (formerly Invitae), Labcorp
Classification: Pathogenic for Beta-D-mannosidosis. Last evaluated: 2023-09-03. Review status: criteria provided, single submitter. Criteria: Invitae Variant Classification Sherloc (09022015). Collection method: clinical testing. Allele origin: germline.
Comment: This variant has not been reported in the literature in individuals affected with MANBA-related conditions. This variant is not present in population databases (gnomAD no frequency). This sequence change creates a premature translational stop signal (p.Tyr527*) in the MANBA gene. It is expected to result in an absent or disrupted protein product. Loss-of-function variants in MANBA are known to be pathogenic (PMID: 9384606, 12468273). For these reasons, this variant has been classified as Pathogenic.

Literature cited by the submitters: PubMed 9384606; PubMed 12468273.

NM_005908.4(MANBA):c.1581T>A (p.Tyr527Ter)

Gene: MANBA (mannosidase beta; minus strand). Cytogenetic location: 4q24.
Variant type: single nucleotide variant.
Coding change: c.1581T>A on transcript NM_005908.4 (MANE Select); coding-DNA position 1581, T replaced by A.
Protein change: p.Tyr527Ter; replaces tyrosine 527 with a stop codon.
Molecular consequence: nonsense.
Genome position (GRCh38, 1-based): chr4:102,657,805, A>T on the plus strand (T>A on the coding strand, the complement: MANBA is on the minus strand). VCF-style: chr4-102657805-A-T. GRCh37 (hg19) VCF-style: chr4-103578962-A-T.
Other names: short protein forms Y527*.
Identifiers: ClinVar variation 2996190 (VCV002996190.3), dbSNP rs903990993, ClinGen allele CA357758809.